The following is an entry in ClinVar:

NM_024580.6(EFL1):c.713T>C (p.Ile238Thr)

Gene: EFL1 (elongation factor like GTPase 1; minus strand). Cytogenetic location: 15q25.2.
Variant type: single nucleotide variant.
Coding change: c.713T>C on transcript NM_024580.6 (MANE Select); coding-DNA position 713, T replaced by C.
Protein change: p.Ile238Thr; replaces isoleucine 238 with threonine.
Molecular consequence: missense variant. On other transcripts: 5 prime UTR variant (1), non-coding transcript variant (1).
Genome position (GRCh38, 1-based): chr15:82,238,325, A>G on the plus strand (T>C on the coding strand, the complement: EFL1 is on the minus strand). VCF-style: chr15-82238325-A-G. GRCh37 (hg19) VCF-style: chr15-82530666-A-G.
Other names: c.560T>C, p.Ile187Thr (NM_001040610.3); c.-77T>C (NM_001322844.2); c.713T>C, p.Ile238Thr (NM_001322845.2); short protein forms I187T, I238T.
Identifiers: ClinVar variation 2662227 (VCV002662227.1), dbSNP rs2505510201, ClinGen allele CA393280448.

ClinVar aggregate classification (germline): Uncertain significance (1 of 4 stars; one submission).

Allele frequency attached by ClinVar (database versions not stated): gnomAD exomes below 0.00001.
gnomAD v4.1: 4 of 1,614,166 alleles (0.00025%); highest among the groups gnomAD compares: Non-Finnish European, 0.00025%; no homozygotes.

Submission:

GeneDx
Classification: Uncertain significance. Last evaluated: 2023-05-08. Review status: criteria provided, single submitter. Criteria: GeneDx Variant Classification Process June 2021. Collection method: clinical testing. Allele origin: germline. Affected: yes.
Comment: Not observed at significant frequency in large population cohorts (gnomAD); In silico analysis supports that this missense variant does not alter protein structure/function; Has not been previously published as pathogenic or benign to our knowledge